The following is an entry in ClinVar:

NM_001009944.3(PKD1):c.5824C>T (p.Arg1942Cys)

Gene: PKD1 (polycystin 1, transient receptor potential channel interacting; minus strand). Cytogenetic location: 16p13.3.
Variant type: single nucleotide variant.
Coding change: c.5824C>T on transcript NM_001009944.3 (MANE Select); coding-DNA position 5824, C replaced by T.
Protein change: p.Arg1942Cys; replaces arginine 1942 with cysteine.
Molecular consequence: missense variant.
Genome position (GRCh38, 1-based): chr16:2,109,343, G>A on the plus strand (C>T on the coding strand, the complement: PKD1 is on the minus strand). VCF-style: chr16-2109343-G-A. GRCh37 (hg19) VCF-style: chr16-2159344-G-A.
Other names: c.5824C>T, p.Arg1942Cys (NM_000296.4); short protein forms R1942C.
Identifiers: ClinVar variation 3252682 (VCV003252682.2), dbSNP rs780100275.

ClinVar aggregate classification (germline): Uncertain significance. Review status: criteria provided, multiple submitters, no conflicts (2 of 4 stars). 2 submissions from 2 submitters: Uncertain significance (2). Last evaluated 2026-03-15.

Conditions:
PKD1-related disorder. Also called: PKD1-related condition.

gnomAD v4.1: 91 of 1,590,968 alleles (0.0057%); highest among the groups gnomAD compares: East Asian, 0.078%; no homozygotes.

Submissions (2):

PreventionGenetics, part of Exact Sciences
Classification: Uncertain significance for PKD1-related condition. Last evaluated: 2026-03-15. Review status: criteria provided, single submitter. Criteria: ACMG Guidelines, 2015. Collection method: clinical testing. Allele origin: germline.
Comment: The PKD1 c.5824C>T variant is predicted to result in the amino acid substitution p.Arg1942Cys. This variant was reported in the heterozygous state in an individual with polycystic kidney disease (Liu et al. 2015. PubMed ID: 26632257; Liu et al. 2022. PubMed ID: 35711925). This variant is reported in 0.034% of alleles in individuals of East Asian descent in gnomAD. At this time, the clinical significance of this variant is uncertain due to the absence of conclusive functional and genetic evidence.

GeneDx
Classification: Uncertain significance. Last evaluated: 2023-10-04. Review status: criteria provided, single submitter. Criteria: GeneDx Variant Classification Process June 2021. Collection method: clinical testing. Allele origin: germline. Affected: yes.
Comment: In silico analysis supports that this missense variant has a deleterious effect on protein structure/function; This variant is associated with the following publications: (PMID: 35711925, 26632257)